The following is an entry in ClinVar:

ClinVar aggregate classification (germline): Likely benign (0 of 4 stars; one submission).

Conditions:
ISG15-related disorder. Also called: ISG15-related condition.

Submission:

PreventionGenetics, part of Exact Sciences
Classification: Likely benign for ISG15-related condition. Last evaluated: 2019-09-17. Review status: no assertion criteria provided. Collection method: clinical testing. Allele origin: germline.
Comment: This variant is classified as likely benign based on ACMG/AMP sequence variant interpretation guidelines (Richards et al. 2015 PMID: 25741868, with internal and published modifications).

NM_005101.4(ISG15):c.-21CACAGCC[1]

Gene: ISG15 (ISG15 ubiquitin like modifier; plus strand). Cytogenetic location: 1p36.33.
Variant type: Microsatellite.
Coding change: c.-21CACAGCC[1] on transcript NM_005101.4 (MANE Select); one copy of the 7-base unit CACAGCC starting at c.-21; the reference has three copies in a row; two copies, 14 bases deleted.
Molecular consequence: 5 prime UTR variant.
Genome position (GRCh38, 1-based): chr1:1,013,560-1,013,573, CACAGCCCACAGCC deleted; deleting any 14 consecutive bases within chr1:1,013,550-1,013,573 gives the same sequence; the position shown is the placement nearest the transcript's 3' end. VCF-style (leftmost placement, unchanged base first): chr1-1013549-GGCCCACAGCCCACA-G. GRCh37 (hg19) VCF-style: chr1-948929-GGCCCACAGCCCACA-G.
Identifiers: ClinVar variation 3040451 (VCV003040451.2), dbSNP rs553176213, ClinGen allele CA2740090511.